The following is an entry in ClinVar:

ClinVar aggregate classification (germline): Pathogenic/Likely pathogenic. Review status: criteria provided, multiple submitters, no conflicts (2 of 4 stars). 4 submissions from 4 submitters: Pathogenic (1); Likely pathogenic (3). Last evaluated 2025-11-30.

Conditions:
USH1C-related disorder. Also called: USH1C-related condition.
Autosomal recessive nonsyndromic hearing loss 18A. Also called: Deafness, autosomal recessive 18A; DEAFNESS, AUTOSOMAL RECESSIVE 18. Identifiers: Orphanet 90636, MedGen C1865870, MONDO:0011192, OMIM 602092.
Usher syndrome type 1C. Also called: USHER SYNDROME, TYPE I, ACADIAN VARIETY. Identifiers: Orphanet 231169, Orphanet 886, MedGen C1848604, MONDO:0010171, OMIM 276904.

Submissions (4):

Natera, Inc.
Classification: Likely pathogenic for Usher syndrome type 1C. Last evaluated: 2025-11-30. Review status: criteria provided, single submitter. Criteria: Natera Variant Classification Schema (03/2026). Collection method: clinical testing. Allele origin: germline.
Comment: The c.491_492del variant in USH1C is a frameshift variant predicted to shift the reading frame beginning at codon 164 and leads to a stop codon 13 codons downstream. This variant is expected to result in nonsense mediated decay, truncation, or a dysfunctional protein product. This variant is rare in the general population with a frequency below the threshold expected for the associated phenotype(s). Given the available evidence, this variant is classified as Likely Pathogenic.

Fulgent Genetics
Classification: Likely pathogenic for Usher syndrome type 1C; Autosomal recessive nonsyndromic hearing loss 18A. Last evaluated: 2024-01-20. Review status: criteria provided, single submitter. Criteria: ACMG Guidelines, 2015. Collection method: clinical testing. Allele origin: germline.

Labcorp Genetics (formerly Invitae), Labcorp
Classification: Pathogenic. Last evaluated: 2020-11-10. Review status: criteria provided, single submitter. Criteria: Invitae Variant Classification Sherloc (09022015). Collection method: clinical testing. Allele origin: germline.
Comment: Loss-of-function variants in USH1C are known to be pathogenic (PMID: 10973247, 17407589, 20301442, 21203349). This sequence change creates a premature translational stop signal (p.Val164Glufs*13) in the USH1C gene. It is expected to result in an absent or disrupted protein product. This variant is not present in population databases (ExAC no frequency). This variant has not been reported in the literature in individuals with USH1C-related conditions. Algorithms developed to predict the effect of sequence changes on RNA splicing suggest that this variant may create or strengthen a splice site, but this prediction has not been confirmed by published transcriptional studies. For these reasons, this variant has been classified as Pathogenic.

Blueprint Genetics
Classification: Likely pathogenic for USH1C-related disorders. Last evaluated: 2018-03-01. Review status: criteria provided, single submitter. Criteria: ACMG Guidelines, 2015. Collection method: clinical testing. Allele origin: germline. Affected: yes. Observed: 1 variant allele.

Literature cited by the submitters: PubMed 10973247 (cited by Labcorp Genetics (formerly Invitae), Labcorp); PubMed 17407589 (cited by Labcorp Genetics (formerly Invitae), Labcorp); PubMed 20301442 (cited by Labcorp Genetics (formerly Invitae), Labcorp); PubMed 21203349 (cited by Labcorp Genetics (formerly Invitae), Labcorp).

NM_153676.4(USH1C):c.491_492del (p.Val164fs)

Gene: USH1C (USH1 protein network component harmonin; minus strand). Cytogenetic location: 11p15.1.
Variant type: Deletion.
Coding change: c.491_492del on transcript NM_153676.4 (MANE Select); coding-DNA positions 491 to 492, 2 bases deleted (TG; older notation c.491_492delTG).
Protein change: p.Val164fs; shifts the reading frame from valine 164.
Molecular consequence: frameshift variant. On other transcripts: non-coding transcript variant (1).
Genome position (GRCh38, 1-based): chr11:17,527,227-17,527,228, CA deleted on the plus strand (TG on the coding strand, the reverse complement: USH1C is on the minus strand); deleting any 2 consecutive bases within chr11:17,527,227-17,527,229 gives the same sequence; the c. name uses the placement nearest the transcript's 3' end. VCF-style (leftmost placement, unchanged base first): chr11-17527226-TCA-T. GRCh37 (hg19) VCF-style: chr11-17548773-TCA-T.
Other names: c.491_492del (NM_005709.3); c.491_492del, p.Val164fs (NM_001297764.2, NM_005709.4); short protein forms V164fs.
Identifiers: ClinVar variation 866066 (VCV000866066.12), dbSNP rs1850741468, ClinGen allele CA916083238.